The following is an entry in ClinVar:

ClinVar aggregate classification (germline): Benign. Review status: criteria provided, single submitter (1 of 4 stars). 2 submissions from 2 submitters: Benign (1). 1 of the submissions does not count toward it. Last evaluated 2025-07-14.

Conditions:
PLXNA2-related disorder. Also called: PLXNA2-related condition.

Allele frequency attached by ClinVar (database versions not stated): ESP Exome Variant Server 0.00023; ExAC 0.00026; gnomAD exomes 0.00026 and 0.00034; TOPMed 0.00032; gnomAD 0.00040 and 0.00045.
gnomAD v4.1: 439 of 1,614,120 alleles (0.027%); highest among the groups gnomAD compares: African/African-American, 0.059%; no homozygotes.

Submissions (2):

Labcorp Genetics (formerly Invitae), Labcorp
Classification: Benign. Last evaluated: 2025-07-14. Review status: criteria provided, single submitter. Criteria: Invitae Variant Classification Sherloc (09022015). Collection method: clinical testing. Allele origin: germline.

PreventionGenetics, part of Exact Sciences
Classification: Likely benign for PLXNA2-related condition. Last evaluated: 2021-05-21. Review status: no assertion criteria provided. Collection method: clinical testing. Allele origin: germline. Not counted in ClinVar's aggregate classification.
Comment: This variant is classified as likely benign based on ACMG/AMP sequence variant interpretation guidelines (Richards et al. 2015 PMID: 25741868, with internal and published modifications).

NM_025179.4(PLXNA2):c.3756C>T (p.Ile1252=)

Gene: PLXNA2 (plexin A2; minus strand). Cytogenetic location: 1q32.2.
Variant type: single nucleotide variant.
Coding change: c.3756C>T on transcript NM_025179.4 (MANE Select); coding-DNA position 3756, C replaced by T.
Protein change: p.Ile1252=; no amino-acid change (isoleucine 1252 retained).
Molecular consequence: synonymous variant.
Genome position (GRCh38, 1-based): chr1:208,044,626, G>A on the plus strand (C>T on the coding strand, the complement: PLXNA2 is on the minus strand). VCF-style: chr1-208044626-G-A. GRCh37 (hg19) VCF-style: chr1-208217971-G-A.
Other names: c.3756C>T (NM_025179.3).
Identifiers: ClinVar variation 1539275 (VCV001539275.10), dbSNP rs150915206, ClinGen allele CA1373078.
Genomic context (GRCh38, chr1:208,044,626, plus strand): 5'-CTTGAGAGTGAGGTCATTTTCTCGAGACTTGCGCTTGTAGGCAATGAGGACGATGATGAC[G>A]ATGATGAGGAGGAGGCTGCCGCCGGCCGCGATGCTGACGATGGCTGGCAGGGTCAGCAAG-3'
Protein context (NP_079455.3, residues 1242-1262): IAAGGSLLLI[Ile1252=]VIIVLIAYKR